The following is an entry in ClinVar:

NM_002878.4(RAD51D):c.762C>T (p.Asp254=)

Genes: RAD51L3-RFFL (RAD51L3-RFFL readthrough; minus strand), RAD51D (RAD51 paralog D; minus strand). Cytogenetic location: 17q12.
Variant type: single nucleotide variant.
Coding change: c.762C>T on transcript NM_002878.4 (MANE Select); coding-DNA position 762, C replaced by T.
Protein change: p.Asp254=; no amino-acid change (aspartic acid 254 retained).
Molecular consequence: synonymous variant. On other transcripts: non-coding transcript variant (3).
Genome position (GRCh38, 1-based): chr17:35,101,342, G>A on the plus strand (C>T on the coding strand, the complement: RAD51D is on the minus strand). VCF-style: chr17-35101342-G-A. GRCh37 (hg19) VCF-style: chr17-33428361-G-A.
Other names: c.822C>T, p.Asp274= (NM_001142571.2); c.426C>T, p.Asp142= (NM_133629.3).
Identifiers: ClinVar variation 1171033 (VCV001171033.12), dbSNP rs2142412351, ClinGen allele CA499728840.

ClinVar aggregate classification (germline): Benign/Likely benign. Review status: criteria provided, multiple submitters, no conflicts (2 of 4 stars). 4 submissions from 4 submitters: Benign (1); Likely benign (3). Last evaluated 2025-08-11.

Conditions:
Breast-ovarian cancer, familial, susceptibility to, 4. Identifiers: Orphanet 145, MedGen C3280345, MONDO:0013669, OMIM 614291.
Hereditary cancer-predisposing syndrome. Also called: Tumor predisposition; Hereditary neoplastic syndrome; Hereditary Cancer Syndrome; Neoplastic Syndromes, Hereditary. Identifiers: Orphanet 140162, MedGen C0027672, MeSH D009386, MONDO:0015356.

Submissions (4):

Labcorp Genetics (formerly Invitae), Labcorp
Classification: Likely benign for Breast-ovarian cancer, familial, susceptibility to, 4. Last evaluated: 2025-08-11. Review status: criteria provided, single submitter. Criteria: Invitae Variant Classification Sherloc (09022015). Collection method: clinical testing. Allele origin: germline.

Myriad Genetics, Inc.
Classification: Benign for Breast-ovarian cancer, familial, susceptibility to, 4. Last evaluated: 2025-02-24. Review status: criteria provided, single submitter. Criteria: Myriad Autosomal Dominant, Autosomal Recessive and X-Linked Classification Criteria (2023). Collection method: clinical testing. Allele origin: unknown.
Comment: This variant is considered benign. This variant is a silent/synonymous amino acid change and it is not expected to impact splicing.

Ambry Genetics
Classification: Likely benign for Hereditary cancer-predisposing syndrome. Last evaluated: 2023-09-16. Review status: criteria provided, single submitter. Criteria: Ambry Variant Classification Scheme 2023. Collection method: clinical testing. Allele origin: germline.

Color Diagnostics, LLC DBA Color Health
Classification: Likely benign for Hereditary cancer-predisposing syndrome. Last evaluated: 2020-08-20. Review status: criteria provided, single submitter. Criteria: ACMG Guidelines, 2015. Collection method: clinical testing. Allele origin: germline.